The following is an entry in ClinVar:

NM_020810.3(TRMT5):c.414_416del (p.Ile138del)

Gene: TRMT5 (tRNA methyltransferase 5; minus strand). Cytogenetic location: 14q23.1.
Variant type: Deletion.
Coding change: c.414_416del on transcript NM_020810.3 (MANE Select); coding-DNA positions 414 to 416, 3 bases deleted (CAT; older notation c.414_416delCAT).
Protein change: p.Ile138del; deletes isoleucine 138.
Molecular consequence: inframe deletion.
Genome position (GRCh38, 1-based): chr14:60,979,482-60,979,484, ATG deleted on the plus strand (CAT on the coding strand, the reverse complement: TRMT5 is on the minus strand); deleting any 3 consecutive bases within chr14:60,979,482-60,979,486 gives the same sequence; the c. name uses the placement nearest the transcript's 3' end. VCF-style (leftmost placement, unchanged base first): chr14-60979481-CATG-C. GRCh37 (hg19) VCF-style: chr14-61446199-CATG-C.
Other names: c.498_500del, p.Ile166del (NM_001350253.1); c.495_497del, p.Ile165del (NM_001350254.1); short protein forms I138del, I166del, I165del.
Identifiers: ClinVar variation 2124723 (VCV002124723.4), dbSNP rs2502993205, ClinGen allele CA2580088435.

ClinVar aggregate classification (germline): Uncertain significance (1 of 4 stars; one submission).

Submission:

Labcorp Genetics (formerly Invitae), Labcorp
Classification: Uncertain significance. Last evaluated: 2022-04-11. Review status: criteria provided, single submitter. Criteria: Invitae Variant Classification Sherloc (09022015). Collection method: clinical testing. Allele origin: germline.
Comment: In summary, the available evidence is currently insufficient to determine the role of this variant in disease. Therefore, it has been classified as a Variant of Uncertain Significance. Experimental studies and prediction algorithms are not available or were not evaluated, and the functional significance of this variant is currently unknown. This variant has not been reported in the literature in individuals affected with TRMT5-related conditions. This variant is not present in population databases (gnomAD no frequency). This variant, c.414_416del, results in the deletion of 1 amino acid(s) of the TRMT5 protein (p.Ile138del), but otherwise preserves the integrity of the reading frame.